The following is an entry in ClinVar:

ClinVar aggregate classification (germline): Uncertain significance (1 of 4 stars; one submission).

Submission:

Labcorp Genetics (formerly Invitae), Labcorp
Classification: Uncertain significance. Last evaluated: 2025-10-01. Review status: criteria provided, single submitter. Criteria: Invitae Variant Classification Sherloc (09022015). Collection method: clinical testing. Allele origin: germline.
Comment: This sequence change replaces proline, which is neutral and non-polar, with alanine, which is neutral and non-polar, at codon 371 of the COL2A1 protein (p.Pro371Ala). This variant is not present in population databases (gnomAD no frequency). This variant has not been reported in the literature in individuals affected with COL2A1-related conditions. Invitae Evidence Modeling of protein sequence and biophysical properties (such as structural, functional, and spatial information, amino acid conservation, physicochemical variation, residue mobility, and thermodynamic stability) indicates that this missense variant is not expected to disrupt COL2A1 protein function with a negative predictive value of 95%. In summary, the available evidence is currently insufficient to determine the role of this variant in disease. Therefore, it has been classified as a Variant of Uncertain Significance.

NM_001844.5(COL2A1):c.1111C>G (p.Pro371Ala)

Gene: COL2A1 (collagen type II alpha 1 chain; minus strand). Cytogenetic location: 12q13.11.
Variant type: single nucleotide variant.
Coding change: c.1111C>G on transcript NM_001844.5 (MANE Select); coding-DNA position 1111, C replaced by G.
Protein change: p.Pro371Ala; replaces proline 371 with alanine.
Molecular consequence: missense variant.
Genome position (GRCh38, 1-based): chr12:47,989,239, G>C on the plus strand (C>G on the coding strand, the complement: COL2A1 is on the minus strand). VCF-style: chr12-47989239-G-C. GRCh37 (hg19) VCF-style: chr12-48383022-G-C.
Other names: c.904C>G, p.Pro302Ala (NM_033150.3); short protein forms P302A, P371A.
Identifiers: ClinVar variation 4809954 (VCV004809954.1).